The following is an entry in ClinVar:

NM_001184880.2(PCDH19):c.811_825del (p.Gly271_Tyr275del)

Gene: PCDH19 (protocadherin 19; minus strand). Cytogenetic location: Xq22.1.
Variant type: Deletion.
Coding change: c.811_825del on transcript NM_001184880.2 (MANE Select); coding-DNA positions 811 to 825, 15 bases deleted (GGCCAGGTGGTCTAC).
Protein change: p.Gly271_Tyr275del.
Molecular consequence: inframe deletion.
Genome position (GRCh38, 1-based): chrX:100,407,773-100,407,787, GTAGACCACCTGGCC deleted on the plus strand (GGCCAGGTGGTCTAC on the coding strand, the reverse complement: PCDH19 is on the minus strand); deleting any 15 consecutive bases within chrX:100,407,773-100,407,789 gives the same sequence; the c. name uses the placement nearest the transcript's 3' end. VCF-style (leftmost placement, unchanged base first): chrX-100407772-AGTAGACCACCTGGCC-A. GRCh37 (hg19) VCF-style: chrX-99662770-AGTAGACCACCTGGCC-A.
Other names: c.811_825del, p.Gly271_Tyr275del (NM_001105243.2, NM_020766.3).
Identifiers: ClinVar variation 1254832 (VCV001254832.2), dbSNP rs2147540480, ClinGen allele CA2499226256.

ClinVar aggregate classification (germline): Likely pathogenic (1 of 4 stars; one submission).

Submission:

GeneDx
Classification: Likely pathogenic. Last evaluated: 2021-07-27. Review status: criteria provided, single submitter. Criteria: GeneDx Variant Classification Process June 2021. Collection method: clinical testing. Allele origin: germline. Affected: yes.
Comment: In-frame deletion of 5 amino acids in a non-repeat region predicted to critically alter the protein; Not observed in large population cohorts (Lek et al., 2016); In silico analysis, which includes protein predictors and evolutionary conservation, supports a deleterious effect; Has not been previously published as pathogenic or benign to our knowledge